The following is an entry in ClinVar:

NM_001292063.2(OTOG):c.1635dup (p.Cys546fs)

Gene: OTOG (otogelin; plus strand). Cytogenetic location: 11p15.1.
Variant type: Duplication.
Coding change: c.1635dup on transcript NM_001292063.2 (MANE Select); coding-DNA position 1635, one base duplicated (A; older notation c.1635dupA).
Protein change: p.Cys546fs; shifts the reading frame from cysteine 546.
Molecular consequence: frameshift variant.
Genome position (GRCh38, 1-based): chr11:17,561,798, A duplicated. VCF-style (leftmost placement, unchanged base first): chr11-17561797-C-CA. GRCh37 (hg19) VCF-style: chr11-17583344-C-CA.
Other names: c.1671dup, p.Cys558fs (NM_001277269.2); short protein forms C546fs, C558fs.
Identifiers: ClinVar variation 4850116 (VCV004850116.1).
Genomic context (GRCh38, chr11:17,561,797, plus strand): 5'-AGTACATCCTGGCCAAGAGCCGCTCTTCGGGCACCTTCACCGTGACATTGCAGAATGCCC[C>CA]ATGTGGCCTGGTAAGAGCTGGGGATCCCCAGGCCCGATCCACCCAGCTACTCCTGCCTAC-3'

ClinVar aggregate classification (germline): Likely pathogenic (1 of 4 stars; one submission).

Conditions:
Autosomal recessive nonsyndromic hearing loss 18B. Also called: Deafness, autosomal recessive 18b. Identifiers: Orphanet 90636, MedGen C3554163, MONDO:0013985, OMIM 614945.

Submission:

Variantyx, Inc.
Classification: Likely pathogenic for Autosomal recessive nonsyndromic hearing loss 18B. Last evaluated: 2025-09-29. Review status: criteria provided, single submitter. Criteria: Variantyx Assertion Criteria 2022. Collection method: clinical testing. Allele origin: germline. Inheritance: Autosomal recessive inheritance. Affected: yes.
Comment: This is a frameshift variant in the OTOG gene (OMIM: 604487). Pathogenic variants in this gene have been associated with autosomal recessive deafness 18B. This variant introduces a premature termination codon in exon 15 out of 56 and is expected to result in loss of function, which is a known disease mechanism for OTOG in this disorder (PVS1).(PMID:23122587) This variant is absent from control populations (PM2) and it has not been reported in individuals with OTOG-related disorders in the databases available for review. Based on the current evidence, this variant is classified as likely pathogenic for autosomal recessive deafness 18B.

Literature cited by the submitters: PubMed 23122587.